The following is an entry in ClinVar:

NM_007286.6(SYNPO):c.872G>A (p.Arg291His)

Gene: SYNPO (synaptopodin; plus strand). Cytogenetic location: 5q33.1.
Variant type: single nucleotide variant.
Coding change: c.872G>A on transcript NM_007286.6 (MANE Select); coding-DNA position 872, G replaced by A.
Protein change: p.Arg291His; replaces arginine 291 with histidine.
Molecular consequence: missense variant.
Genome position (GRCh38, 1-based): chr5:150,649,147, G>A. VCF-style: chr5-150649147-G-A. GRCh37 (hg19) VCF-style: chr5-150028709-G-A.
Other names: c.872G>A, p.Arg291His (NM_001109974.3); c.1604G>A, p.Arg535His (NM_001166208.2, NM_001166209.2); short protein forms R291H, R535H.
Identifiers: ClinVar variation 2421390 (VCV002421390.6), dbSNP rs375811693, ClinGen allele CA3513305.
Genomic context (GRCh38, chr5:150,649,147, plus strand): 5'-CTCCCCAGCCCCCCAGTTTGCCAGACAGGAGCCCCCGGCCACAGAGACACATAATGTCCC[G>A]CAGCCCCATGGTGGAAAGGAGGATGATGGGGCAGCGAAGCCCGGCCTCAGAGAGACGCCC-3'
Protein context (NP_009217.3, residues 281-301): SPRPQRHIMS[Arg291His]SPMVERRMMG

ClinVar aggregate classification (germline): Uncertain significance (1 of 4 stars; one submission).

Allele frequency attached by ClinVar (database versions not stated): gnomAD 0.00001; gnomAD exomes 0.00001; ExAC 0.00002; TOPMed 0.00002.
gnomAD v4.1: 18 of 1,613,904 alleles (0.0011%); highest among the groups gnomAD compares: African/African-American, 0.004%; no homozygotes.

Submission:

Labcorp Genetics (formerly Invitae), Labcorp
Classification: Uncertain significance. Last evaluated: 2024-12-02. Review status: criteria provided, single submitter. Criteria: Invitae Variant Classification Sherloc (09022015). Collection method: clinical testing. Allele origin: germline.
Comment: This sequence change replaces arginine, which is basic and polar, with histidine, which is basic and polar, at codon 291 of the SYNPO protein (p.Arg291His). This variant is present in population databases (rs375811693, gnomAD 0.007%). This variant has not been reported in the literature in individuals affected with SYNPO-related conditions. ClinVar contains an entry for this variant (Variation ID: 2421390). An algorithm developed to predict the effect of missense changes on protein structure and function outputs the following: PolyPhen-2: "Benign". The histidine amino acid residue is found in multiple mammalian species, which suggests that this missense change does not adversely affect protein function. In summary, the available evidence is currently insufficient to determine the role of this variant in disease. Therefore, it has been classified as a Variant of Uncertain Significance.